The following is an entry in ClinVar:

ClinVar aggregate classification (germline): Uncertain significance (1 of 4 stars; one submission).

Conditions:
Cowden syndrome (CS). Also called: Cowden's disease; Cowden's syndrome; Cowden disease. Identifiers: Orphanet 201, MedGen C0018553, MONDO:0016063. Disease mechanism: gain of function.

Allele frequency attached by ClinVar (database versions not stated): gnomAD 0.00001; TOPMed 0.00002.

Submission:

Labcorp Genetics (formerly Invitae), Labcorp
Classification: Uncertain significance for Cowden syndrome. Last evaluated: 2021-09-09. Review status: criteria provided, single submitter. Criteria: Invitae Variant Classification Sherloc (09022015). Collection method: clinical testing. Allele origin: germline.
Comment: This sequence change replaces leucine with phenylalanine at codon 156 of the PIK3CA protein (p.Leu156Phe). The leucine residue is moderately conserved and there is a small physicochemical difference between leucine and phenylalanine. This variant is not present in population databases (ExAC no frequency). This variant has not been reported in the literature in individuals affected with PIK3CA-related conditions. ClinVar contains an entry for this variant (Variation ID: 456547). Algorithms developed to predict the effect of missense changes on protein structure and function (SIFT, PolyPhen-2, Align-GVGD) all suggest that this variant is likely to be tolerated. In summary, the available evidence is currently insufficient to determine the role of this variant in disease. Therefore, it has been classified as a Variant of Uncertain Significance.

NM_006218.4(PIK3CA):c.466C>T (p.Leu156Phe)

Gene: PIK3CA (phosphatidylinositol-4,5-bisphosphate 3-kinase catalytic subunit alpha; plus strand). Cytogenetic location: 3q26.32.
Variant type: single nucleotide variant.
Coding change: c.466C>T on transcript NM_006218.4 (MANE Select); coding-DNA position 466, C replaced by T.
Protein change: p.Leu156Phe; replaces leucine 156 with phenylalanine.
Molecular consequence: missense variant.
Genome position (GRCh38, 1-based): chr3:179,199,803, C>T. VCF-style: chr3-179199803-C-T. GRCh37 (hg19) VCF-style: chr3-178917591-C-T.
Other names: c.466C>T (LRG_310t1); short protein forms L156F.
Identifiers: ClinVar variation 456547 (VCV000456547.7), dbSNP rs201705993, ClinGen allele CA88557116.